The following is an entry in ClinVar:

ClinVar aggregate classification (germline): Uncertain significance (1 of 4 stars; one submission).

Submission:

Ambry Genetics
Classification: Uncertain significance. Last evaluated: 2026-07-22. Review status: criteria provided, single submitter. Criteria: Ambry Variant Classification Scheme 2023. Collection method: clinical testing. Allele origin: germline.
Comment: The p.I346F variant (also known as c.1036A>T), located in coding exon 9 of the GEN1 gene, results from an A to T substitution at nucleotide position 1036. The isoleucine at codon 346 is replaced by phenylalanine, an amino acid with highly similar properties. This amino acid position is conserved. In addition, this alteration is predicted to be tolerated by in silico analysis. Based on the available evidence, the clinical significance of this variant remains unclear.

NM_001130009.3(GEN1):c.1036A>T (p.Ile346Phe)

Gene: GEN1 (GEN1 structure-specific endonuclease; plus strand). Cytogenetic location: 2p24.2.
Variant type: single nucleotide variant.
Coding change: c.1036A>T on transcript NM_001130009.3 (MANE Select); coding-DNA position 1036, A replaced by T.
Protein change: p.Ile346Phe; replaces isoleucine 346 with phenylalanine.
Molecular consequence: missense variant.
Genome position (GRCh38, 1-based): chr2:17,773,264, A>T. VCF-style: chr2-17773264-A-T. GRCh37 (hg19) VCF-style: chr2-17954531-A-T.
Other names: c.1036A>T, p.Ile346Phe (NM_182625.5); short protein forms I346F.
Identifiers: ClinVar variation 5022309 (VCV005022309.1).